The following is an entry in ClinVar:

NM_020921.4(NIN):c.1558G>C (p.Asp520His)

Gene: NIN (ninein; minus strand). Cytogenetic location: 14q22.1.
Variant type: single nucleotide variant.
Coding change: c.1558G>C on transcript NM_020921.4 (MANE Select); coding-DNA position 1558, G replaced by C.
Protein change: p.Asp520His; replaces aspartic acid 520 with histidine.
Molecular consequence: missense variant.
Genome position (GRCh38, 1-based): chr14:50,766,384, C>G on the plus strand (G>C on the coding strand, the complement: NIN is on the minus strand). VCF-style: chr14-50766384-C-G. GRCh37 (hg19) VCF-style: chr14-51233102-C-G.
Other names: c.1558G>C, p.Asp520His (NM_016350.5, NM_182944.3, NM_182946.2); c.1558G>C (NM_020921.3); short protein forms D520H.
Identifiers: ClinVar variation 2068194 (VCV002068194.6), dbSNP rs201501508, ClinGen allele CA7182157.

ClinVar aggregate classification (germline): Benign. Review status: criteria provided, single submitter (1 of 4 stars). 2 submissions from 2 submitters: Benign (1). 1 of the submissions does not count toward it. Last evaluated 2025-08-07.

Conditions:
NIN-related disorder. Also called: NIN-related condition.

Allele frequency attached by ClinVar (database versions not stated): 1000 Genomes Project 30x 0.00016; 1000 Genomes Project 0.00020; ESP Exome Variant Server 0.00023; gnomAD 0.00024.
gnomAD v4.1: 329 of 1,614,140 alleles (0.02%); highest among the groups gnomAD compares: Admixed American, 0.037%; 1 homozygote.

Submissions (2):

Labcorp Genetics (formerly Invitae), Labcorp
Classification: Benign. Last evaluated: 2025-08-07. Review status: criteria provided, single submitter. Criteria: Invitae Variant Classification Sherloc (09022015). Collection method: clinical testing. Allele origin: germline.

PreventionGenetics, part of Exact Sciences
Classification: Likely benign for NIN-related condition. Last evaluated: 2019-09-17. Review status: no assertion criteria provided. Collection method: clinical testing. Allele origin: germline. Not counted in ClinVar's aggregate classification.
Comment: This variant is classified as likely benign based on ACMG/AMP sequence variant interpretation guidelines (Richards et al. 2015 PMID: 25741868, with internal and published modifications).